The following is an entry in ClinVar:

NM_000553.6(WRN):c.1400G>A (p.Ser467Asn)

Gene: WRN (WRN RecQ like helicase; plus strand). Cytogenetic location: 8p12.
Variant type: single nucleotide variant.
Coding change: c.1400G>A on transcript NM_000553.6 (MANE Select); coding-DNA position 1400, G replaced by A.
Protein change: p.Ser467Asn; replaces serine 467 with asparagine.
Molecular consequence: missense variant.
Genome position (GRCh38, 1-based): chr8:31,085,215, G>A. VCF-style: chr8-31085215-G-A. GRCh37 (hg19) VCF-style: chr8-30942731-G-A.
Other names: short protein forms S467N.
Identifiers: ClinVar variation 1062591 (VCV001062591.5), dbSNP rs1208825397, ClinGen allele CA370923817.

ClinVar aggregate classification (germline): Uncertain significance (1 of 4 stars; one submission).

Conditions:
Werner syndrome (WRN). Identifiers: Orphanet 902, MedGen C0043119, MONDO:0010196, OMIM 277700.

Submission:

Labcorp Genetics (formerly Invitae), Labcorp
Classification: Uncertain significance for Werner syndrome. Last evaluated: 2023-07-17. Review status: criteria provided, single submitter. Criteria: Invitae Variant Classification Sherloc (09022015). Collection method: clinical testing. Allele origin: germline.
Comment: In summary, the available evidence is currently insufficient to determine the role of this variant in disease. Therefore, it has been classified as a Variant of Uncertain Significance. An algorithm developed to predict the effect of missense changes on protein structure and function (PolyPhen-2) suggests that this variant is likely to be disruptive. ClinVar contains an entry for this variant (Variation ID: 1062591). This variant has not been reported in the literature in individuals affected with WRN-related conditions. This variant is not present in population databases (gnomAD no frequency). This sequence change replaces serine, which is neutral and polar, with asparagine, which is neutral and polar, at codon 467 of the WRN protein (p.Ser467Asn).